The following is an entry in ClinVar:

NM_000127.3(EXT1):c.-324C>G

Gene: EXT1 (exostosin glycosyltransferase 1; minus strand). Cytogenetic location: 8q24.11.
Variant type: single nucleotide variant.
Coding change: c.-324C>G on transcript NM_000127.3 (MANE Select); 324 bases upstream of the start codon, C replaced by G.
Molecular consequence: 5 prime UTR variant.
Genome position (GRCh38, 1-based): chr8:118,111,370, G>C on the plus strand (C>G on the coding strand, the complement: EXT1 is on the minus strand). VCF-style: chr8-118111370-G-C. GRCh37 (hg19) VCF-style: chr8-119123609-G-C.
Identifiers: ClinVar variation 361668 (VCV000361668.5), dbSNP rs144282710, ClinGen allele CA10630045.

ClinVar aggregate classification (germline): Benign (1 of 4 stars; one submission).

Conditions:
Multiple congenital exostosis (EXT). Also called: Hereditary multiple exostoses; Hereditary multiple exostosis; Multiple osteochondromas; Multiple exostoses; MULTIPLE CARTILAGINOUS EXOSTOSES; Hereditary multiple osteochondromas. Identifiers: Orphanet 321, MedGen C0015306, MONDO:0005508, HP:0002762.

Allele frequency attached by ClinVar (database versions not stated): gnomAD 0.00224; 1000 Genomes Project 30x 0.00265; 1000 Genomes Project 0.00280; TOPMed 0.00291.
gnomAD v4.1: 508 of 563,320 alleles (0.09%); highest among the groups gnomAD compares: African/African-American, 0.84%; 2 homozygotes.

Submission:

Illumina Laboratory Services, Illumina
Classification: Benign for Exostoses, multiple, type 1. Last evaluated: 2018-01-12. Review status: criteria provided, single submitter. Criteria: ICSL Variant Classification Criteria 13 December 2019. Collection method: clinical testing. Allele origin: germline.
Comment: This variant was observed in the ICSL laboratory as part of a predisposition screen in an ostensibly healthy population. It had not been previously curated by ICSL or reported in the Human Gene Mutation Database (HGMD: prior to June 1st, 2018), and was therefore a candidate for classification through an automated scoring system. Utilizing variant allele frequency, disease prevalence and penetrance estimates, and inheritance mode, an automated score was calculated to assess if this variant is too frequent to cause the disease. Based on the score and internal cut-off values, a variant classified as benign is not then subjected to further curation. The score for this variant resulted in a classification of benign for this disease.